The following is an entry in ClinVar:

ClinVar aggregate classification (germline): Benign/Likely benign. Review status: criteria provided, multiple submitters, no conflicts (2 of 4 stars). 17 submissions from 17 submitters: Benign (2); Likely benign (9). 6 of the submissions do not count toward it. Last evaluated 2026-02-04.

Conditions:
Hypertrophic cardiomyopathy. Also called: HYPERTROPHIC MYOCARDIOPATHY. Identifiers: Orphanet 217569, MedGen C0007194, MeSH D002312, MONDO:0005045, HP:0001639.
Ventricular tachycardia. Identifiers: MedGen C0042514, MONDO:0005477, HP:0004756.
Cardiovascular phenotype. Identifiers: MedGen CN230736.
Dilated cardiomyopathy 1JJ (CMD1JJ). Identifiers: Orphanet 154, MedGen C3808935, MONDO:0014095, OMIM 615235.
Cardiomyopathy (CMYO). Also called: Cardiomyopathies. Identifiers: Orphanet 167848, MedGen C0878544, MONDO:0004994, HP:0001638. Inheritance: Various modes of inheritance.

Allele frequency attached by ClinVar (database versions not stated): 1000 Genomes Project 0.00080; 1000 Genomes Project 30x 0.00094; gnomAD 0.00134 and 0.00135; TOPMed 0.00139; gnomAD exomes 0.00147 and 0.00186; ExAC 0.00161; ESP Exome Variant Server 0.00161.
gnomAD v4.1: 2,879 of 1,611,554 alleles (0.18%); highest among the groups gnomAD compares: Non-Finnish European, 0.21%; 8 homozygotes.

Submissions (17):

Labcorp Genetics (formerly Invitae), Labcorp
Classification: Likely benign for Dilated cardiomyopathy 1JJ. Last evaluated: 2026-02-04. Review status: criteria provided, single submitter. Criteria: Invitae Variant Classification Sherloc (09022015). Collection method: clinical testing. Allele origin: germline.

CeGaT Center for Human Genetics Tuebingen
Classification: Benign. Last evaluated: 2025-10-01. Review status: criteria provided, single submitter. Criteria: CeGaT Center For Human Genetics Tuebingen Variant Classification Criteria Version 2. Collection method: clinical testing. Allele origin: germline. Affected: yes. Observed: 3 variant alleles.
Comment: LAMA4: BP4, BS1, BS2

Blueprint Genetics
Classification: Likely benign. Last evaluated: 2024-11-22. Review status: criteria provided, single submitter. Criteria: ACMG Guidelines, 2015. Collection method: clinical testing. Allele origin: germline.

Women's Health and Genetics/Laboratory Corporation of America, LabCorp
Classification: Likely benign. Last evaluated: 2023-11-06. Review status: criteria provided, single submitter. Criteria: LabCorp Variant Classification Summary - May 2015. Collection method: clinical testing. Allele origin: germline.

ARUP Laboratories, Molecular Genetics and Genomics, ARUP Laboratories
Classification: Likely benign for Dilated cardiomyopathy 1JJ. Last evaluated: 2023-08-25. Review status: criteria provided, single submitter. Criteria: ARUP Molecular Germline Variant Investigation Process 2024. Collection method: clinical testing. Allele origin: germline.

GeneDx
Classification: Likely benign. Last evaluated: 2021-02-16. Review status: criteria provided, single submitter. Criteria: GeneDx Variant Classification Process June 2021. Collection method: clinical testing. Allele origin: germline. Affected: yes.

Ambry Genetics
Classification: Benign for Cardiovascular phenotype. Last evaluated: 2020-12-24. Review status: criteria provided, single submitter. Criteria: Ambry Variant Classification Scheme 2023. Collection method: clinical testing. Allele origin: germline.

Center for Advanced Laboratory Medicine, UC San Diego Health, University of California San Diego
Classification: Likely benign for Ventricular tachycardia; Hypertrophic cardiomyopathy. Last evaluated: 2019-01-31. Review status: criteria provided, single submitter. Criteria: ACMG Guidelines, 2015. Collection method: clinical testing. Allele origin: germline. Affected: yes. Observed: 2 variant alleles.

CHEO Genetics Diagnostic Laboratory, Children's Hospital of Eastern Ontario
Classification: Likely benign for Cardiomyopathy. Last evaluated: 2016-11-23. Review status: criteria provided, single submitter. Criteria: ACMG Guidelines, 2015. Collection method: clinical testing. Allele origin: germline. Study: Canadian Open Genetics Repository.

Laboratory for Molecular Medicine, Mass General Brigham Personalized Medicine
Classification: Likely benign. Last evaluated: 2015-04-18. Review status: criteria provided, single submitter. Criteria: LMM Criteria. Collection method: clinical testing. Allele origin: germline. Observed: 9 variant alleles.
Comment: p.Arg538Cys in exon 13 of LAMA4: This variant is not expected to have clinical s ignificance because it has been identified in 0.3% (19/6614) of Finnish chromoso mes and 0.2% (153/66734) of European chromosomes by the Exome Aggregation Consor tium (ExAC; dbSNP rs138153075).

Biesecker Lab/Clinical Genomics Section, National Institutes of Health
Classification: Likely benign. Last evaluated: 2013-06-24. Review status: criteria provided, single submitter. Criteria: Ng et al. (Circ Cardiovasc Genet. 2013). Collection method: research. Allele origin: unknown. Observed: 3 variant alleles. Study: ClinSeq.
Comment: The study set was not selected for affection status in relation to any cancer. Pathogenicity categories were based on literature curation. See Pubmed ID:23861362 for details.

Medical sequencing

Clinical Genetics DNA and cytogenetics Diagnostics Lab, Erasmus MC, Erasmus Medical Center
Classification: Likely benign. Review status: no assertion criteria provided. Collection method: clinical testing. Allele origin: germline. Affected: yes. Study: VKGL Data-share Consensus. Not counted in ClinVar's aggregate classification.

Clinical Genetics, Academic Medical Center
Classification: Benign. Review status: no assertion criteria provided. Collection method: clinical testing. Allele origin: germline. Affected: yes. Study: VKGL Data-share Consensus. Not counted in ClinVar's aggregate classification.

Diagnostic Laboratory, Department of Genetics, University Medical Center Groningen
Classification: Likely benign for Dilated cardiomyopathy 1JJ. Review status: no assertion criteria provided. Collection method: clinical testing. Allele origin: germline. Affected: yes. Study: VKGL Data-share Consensus. Not counted in ClinVar's aggregate classification.

Genome Diagnostics Laboratory, University Medical Center Utrecht
Classification: Likely benign. Review status: no assertion criteria provided. Collection method: clinical testing. Allele origin: germline. Affected: yes. Study: VKGL Data-share Consensus. Not counted in ClinVar's aggregate classification.

Joint Genome Diagnostic Labs from Nijmegen and Maastricht, Radboudumc and MUMC+
Classification: Benign. Review status: no assertion criteria provided. Collection method: clinical testing. Allele origin: germline. Affected: yes. Study: VKGL Data-share Consensus. Not counted in ClinVar's aggregate classification.

Laboratory of Diagnostic Genome Analysis, Leiden University Medical Center (LUMC)
Classification: Likely benign. Review status: no assertion criteria provided. Collection method: clinical testing. Allele origin: germline. Affected: yes. Study: VKGL Data-share Consensus. Not counted in ClinVar's aggregate classification.

Literature cited by the submitters: PubMed 23861362 (cited by Ambry Genetics).

NM_001105206.3(LAMA4):c.1633C>T (p.Arg545Cys)

Gene: LAMA4 (laminin subunit alpha 4; minus strand). Cytogenetic location: 6q21.
Variant type: single nucleotide variant.
Coding change: c.1633C>T on transcript NM_001105206.3 (MANE Select); coding-DNA position 1633, C replaced by T.
Protein change: p.Arg545Cys; replaces arginine 545 with cysteine.
Molecular consequence: missense variant.
Genome position (GRCh38, 1-based): chr6:112,165,195, G>A on the plus strand (C>T on the coding strand, the complement: LAMA4 is on the minus strand). VCF-style: chr6-112165195-G-A. GRCh37 (hg19) VCF-style: chr6-112486397-G-A.
Other names: p.R538C:CGT>TGT; c.1612C>T, p.Arg538Cys (NM_001105207.3, NM_002290.5); short protein forms R538C, R545C.
Identifiers: ClinVar variation 44349 (VCV000044349.63), dbSNP rs138153075, ClinGen allele CA238397.
Genomic context (GRCh38, chr6:112,165,195, plus strand): 5'-CTGAACAAGTCACGTGCGTCCTTACCTTTATTATATCATCAAGTTCTGAAAGAGTTAGAC[G>A]AGGTGTTGTCAGAGAGTCCGCAGATGTGCTCAGAGACATGTTCACCACTTCCATTTGTTC-3'
Protein context (NP_001098676.2, residues 535-555): STSADSLTTP[Arg545Cys]LTLSELDDII